The following is an entry in ClinVar:

ClinVar aggregate classification (germline): Likely benign. Review status: criteria provided, single submitter (1 of 4 stars). 2 submissions from 2 submitters: Likely benign (1). 1 of the submissions does not count toward it. Last evaluated 2024-02-02.

Conditions:
LARGE1-related disorder. Also called: LARGE1-related condition.
Muscular dystrophy-dystroglycanopathy type B6 (MDDGB6). Also called: MUSCULAR DYSTROPHY-DYSTROGLYCANOPATHY (CONGENITAL WITH IMPAIRED INTELLECTUAL DEVELOPMENT), TYPE B, 6; MUSCULAR DYSTROPHY, CONGENITAL, LARGE-RELATED; MUSCULAR DYSTROPHY, CONGENITAL, TYPE 1D. Identifiers: MedGen C1837229, MONDO:0012138, OMIM 608840.

Allele frequency attached by ClinVar (database versions not stated): ExAC 0.00001; gnomAD exomes 0.00002.
gnomAD v4.1: 24 of 1,613,894 alleles (0.0015%); highest among the groups gnomAD compares: Middle Eastern, 0.016%; no homozygotes.

Submissions (2):

Labcorp Genetics (formerly Invitae), Labcorp
Classification: Likely benign for Muscular dystrophy-dystroglycanopathy type B6. Last evaluated: 2024-02-02. Review status: criteria provided, single submitter. Criteria: Invitae Variant Classification Sherloc (09022015). Collection method: clinical testing. Allele origin: germline.

PreventionGenetics, part of Exact Sciences
Classification: Likely benign for LARGE1-related condition. Last evaluated: 2019-06-06. Review status: no assertion criteria provided. Collection method: clinical testing. Allele origin: germline. Not counted in ClinVar's aggregate classification.
Comment: This variant is classified as likely benign based on ACMG/AMP sequence variant interpretation guidelines (Richards et al. 2015 PMID: 25741868, with internal and published modifications).

NM_133642.5(LARGE1):c.45G>A (p.Ser15=)

Gene: LARGE1 (LARGE xylosyl- and glucuronyltransferase 1; minus strand). Cytogenetic location: 22q12.3.
Variant type: single nucleotide variant.
Coding change: c.45G>A on transcript NM_133642.5 (MANE Select); coding-DNA position 45, G replaced by A.
Protein change: p.Ser15=; no amino-acid change (serine 15 retained).
Molecular consequence: synonymous variant.
Genome position (GRCh38, 1-based): chr22:33,761,432, C>T on the plus strand (G>A on the coding strand, the complement: LARGE1 is on the minus strand). VCF-style: chr22-33761432-C-T. GRCh37 (hg19) VCF-style: chr22-34157419-C-T.
Other names: c.45G>A (NM_004737.5); c.45G>A, p.Ser15= (NM_001362949.2, NM_001362951.2, NM_001362953.2 and 7 more transcripts).
Identifiers: ClinVar variation 705204 (VCV000705204.13), dbSNP rs752560976, ClinGen allele CA10203180.
Genomic context (GRCh38, chr22:33,761,432, plus strand): 5'-TTCGAAGCTCCCAGAAAACAGGTAAATCCAGGTGATGGCTGGGATGCAGAGAAGACTCAA[C>T]GAGGCAGCCAAGAATTTCCGTCTCCCCCTGCAGATTCCCAGCATCCTCTCAGAAGTGGCA-3'
Protein context (NP_598397.1, residues 5-25): CRGRRKFLAA[Ser15=]LSLLCIPAIT